The following is an entry in ClinVar:

ClinVar aggregate classification (germline): Uncertain significance. Review status: criteria provided, multiple submitters, no conflicts (2 of 4 stars). 2 submissions from 2 submitters: Uncertain significance (2). Last evaluated 2022-10-13.

Allele frequency attached by ClinVar (database versions not stated): gnomAD exomes below 0.00001; gnomAD 0.00001; TOPMed 0.00002; ESP Exome Variant Server 0.00008.
gnomAD v4.1: 2 of 1,613,860 alleles (0.00012%); highest among the groups gnomAD compares: African/African-American, 0.0027%; no homozygotes.

Submissions (2):

Labcorp Genetics (formerly Invitae), Labcorp
Classification: Uncertain significance. Last evaluated: 2022-10-13. Review status: criteria provided, single submitter. Criteria: Invitae Variant Classification Sherloc (09022015). Collection method: clinical testing. Allele origin: germline.
Comment: This sequence change replaces serine, which is neutral and polar, with isoleucine, which is neutral and non-polar, at codon 505 of the LCA5 protein (p.Ser505Ile). This variant is not present in population databases (gnomAD no frequency). This variant has not been reported in the literature in individuals affected with LCA5-related conditions. Advanced modeling of protein sequence and biophysical properties (such as structural, functional, and spatial information, amino acid conservation, physicochemical variation, residue mobility, and thermodynamic stability) performed at Invitae indicates that this missense variant is not expected to disrupt LCA5 protein function. In summary, the available evidence is currently insufficient to determine the role of this variant in disease. Therefore, it has been classified as a Variant of Uncertain Significance.

Blueprint Genetics
Classification: Uncertain significance. Last evaluated: 2019-06-10. Review status: criteria provided, single submitter. Criteria: ACMG Guidelines, 2015. Collection method: clinical testing. Allele origin: germline.

NM_001122769.3(LCA5):c.1514G>T (p.Ser505Ile)

Gene: LCA5 (lebercilin LCA5; minus strand). Cytogenetic location: 6q14.1.
Variant type: single nucleotide variant.
Coding change: c.1514G>T on transcript NM_001122769.3 (MANE Select); coding-DNA position 1514, G replaced by T.
Protein change: p.Ser505Ile; replaces serine 505 with isoleucine.
Molecular consequence: missense variant.
Genome position (GRCh38, 1-based): chr6:79,487,584, C>A on the plus strand (G>T on the coding strand, the complement: LCA5 is on the minus strand). VCF-style: chr6-79487584-C-A. GRCh37 (hg19) VCF-style: chr6-80197301-C-A.
Other names: c.1514G>T, p.Ser505Ile (NM_181714.4); short protein forms S505I.
Identifiers: ClinVar variation 2156683 (VCV002156683.2), dbSNP rs139856050, ClinGen allele CA141860450.
Genomic context (GRCh38, chr6:79,487,584, plus strand): 5'-TGCAAATGATGCCCATTAAATAATCTCTCTGAGGATTCAGAGAACCTGTATGTTTTGGGG[C>A]TTCTCTCTGGGGAGTGTAGTTTTGATTCAAAATCAGGTAACAATGGCAAAACAGGGTATT-3'
Protein context (NP_001116241.1, residues 495-515): FESKLHSPER[Ser505Ile]PKTYRFSESS